The following is an entry in ClinVar:

ClinVar aggregate classification (germline): Uncertain significance. Review status: reviewed by expert panel (3 of 4 stars). 2 submissions from 2 submitters: Uncertain significance (1). 1 of the submissions does not count toward it. Last evaluated 2024-10-25.

Conditions:
T-cell immunodeficiency, congenital alopecia, and nail dystrophy. Also called: Congenital alopecia and nail dystrophy associated with severe functional T-cell immunodeficiency; Pignata Guarino syndrome. Identifiers: Orphanet 169095, MedGen C1866426, MONDO:0011132, OMIM 601705.

Submissions (2):

ClinGen Severe Combined Immunodeficiency Variant Curation Expert Panel, ClinGen
Classification: Uncertain significance for T-cell immunodeficiency, congenital alopecia, and nail dystrophy. Last evaluated: 2024-10-25. Review status: reviewed by expert panel. Criteria: ClinGen SCID ACMG Specifications FOXN1 V1.0.0. Collection method: curation. Allele origin: germline. Inheritance: Semidominant inheritance.
Comment: The variant NM_001369369.1(FOXN1):c.1036T>C is predicted to cause a tryptophan to arginine substitution at amino acid position 346. The variant is absent from gnomAD 4.0 (PM2_supporting). The meta predictor REVEL predicts a potential disrupting effect on protein function with a score of .952, above the ≥0.932 threshold for PP3_moderate. The variant was found in the heterozygous state in patient NS-03 from PMID:35729475 who had abnormally low TREC values of 0.43 copies/uL and CD3 T cell lymphopenia 860 uL (0.5). The patient received exome sequencing for SCID related genes (0.5) (PP4 met). The patient also displayed recurrent infection, BPD, patent ductus arteriosus, and a patent foramen ovale with ongoing ventilator and G tube dependency. In summary this variant meets criteria to be classified as Variant of Uncertain significance- insufficient evidence for semidominant cell immunodeficiency, congenital alopecia, and nail dystrophy due to FOXN1 deficiency based on the ACMG/AMP criteria applied: PP3_moderate, PP4, and PM2_supporting as specified by the ClinGen SCID VCEP FOXN1 subgroup.

Labcorp Genetics (formerly Invitae), Labcorp
Classification: Uncertain significance for T-cell immunodeficiency, congenital alopecia, and nail dystrophy. Last evaluated: 2022-06-23. Review status: criteria provided, single submitter. Criteria: Invitae Variant Classification Sherloc (09022015). Collection method: clinical testing. Allele origin: germline. Not counted in ClinVar's aggregate classification.
Comment: Algorithms developed to predict the effect of missense changes on protein structure and function (SIFT, PolyPhen-2, Align-GVGD) all suggest that this variant is likely to be disruptive. In summary, the available evidence is currently insufficient to determine the role of this variant in disease. Therefore, it has been classified as a Variant of Uncertain Significance. ClinVar contains an entry for this variant (Variation ID: 946936). This variant has not been reported in the literature in individuals affected with FOXN1-related conditions. This variant is not present in population databases (gnomAD no frequency). This sequence change replaces tryptophan, which is neutral and slightly polar, with arginine, which is basic and polar, at codon 346 of the FOXN1 protein (p.Trp346Arg).

NM_001369369.1(FOXN1):c.1036T>C (p.Trp346Arg)

Gene: FOXN1 (forkhead box N1; plus strand). Cytogenetic location: 17q11.2.
Variant type: single nucleotide variant.
Coding change: c.1036T>C on transcript NM_001369369.1 (MANE Select); coding-DNA position 1036, T replaced by C.
Protein change: p.Trp346Arg; replaces tryptophan 346 with arginine.
Molecular consequence: missense variant.
Genome position (GRCh38, 1-based): chr17:28,534,439, T>C. VCF-style: chr17-28534439-T-C. GRCh37 (hg19) VCF-style: chr17-26861457-T-C.
Other names: NM_001369369.1(FOXN1):c.1036T>C; p.Trp346Arg; c.1036T>C, p.Trp346Arg (NM_003593.3); short protein forms W346R.
Identifiers: ClinVar variation 946936 (VCV000946936.8), dbSNP rs2069997381, ClinGen allele CA398324705.